The following is an entry in ClinVar:

ClinVar aggregate classification (germline): Benign (0 of 4 stars; one submission).

Conditions:
TRIM44-related disorder. Also called: TRIM44-related condition.

Allele frequency attached by ClinVar (database versions not stated): ExAC 0.00065; ESP Exome Variant Server 0.00108; 1000 Genomes Project 30x 0.00187; 1000 Genomes Project 0.00200.
gnomAD v4.1: 566 of 1,614,032 alleles (0.035%); highest among the groups gnomAD compares: African/African-American, 0.59%; 2 homozygotes.

Submission:

PreventionGenetics, part of Exact Sciences
Classification: Benign for TRIM44-related condition. Last evaluated: 2019-05-28. Review status: no assertion criteria provided. Collection method: clinical testing. Allele origin: germline.
Comment: This variant is classified as benign based on ACMG/AMP sequence variant interpretation guidelines (Richards et al. 2015 PMID: 25741868, with internal and published modifications).

NM_017583.6(TRIM44):c.174C>T (p.Ala58=)

Gene: TRIM44 (tripartite motif containing 44; plus strand). Cytogenetic location: 11p13.
Variant type: single nucleotide variant.
Coding change: c.174C>T on transcript NM_017583.6 (MANE Select); coding-DNA position 174, C replaced by T.
Protein change: p.Ala58=; no amino-acid change (alanine 58 retained).
Molecular consequence: synonymous variant.
Genome position (GRCh38, 1-based): chr11:35,663,285, C>T. VCF-style: chr11-35663285-C-T. GRCh37 (hg19) VCF-style: chr11-35684833-C-T.
Identifiers: ClinVar variation 3038700 (VCV003038700.2), dbSNP rs34392570, ClinGen allele CA5948403.